The following is an entry in ClinVar:

NM_206933.4(USH2A):c.12007C>T (p.Gln4003Ter)

Gene: USH2A (usherin; minus strand). Cytogenetic location: 1q41.
Variant type: single nucleotide variant.
Coding change: c.12007C>T on transcript NM_206933.4 (MANE Select); coding-DNA position 12007, C replaced by T.
Protein change: p.Gln4003Ter; replaces glutamine 4003 with a stop codon.
Molecular consequence: nonsense.
Genome position (GRCh38, 1-based): chr1:215,728,089, G>A on the plus strand (C>T on the coding strand, the complement: USH2A is on the minus strand). VCF-style: chr1-215728089-G-A. GRCh37 (hg19) VCF-style: chr1-215901431-G-A.
Other names: short protein forms Q4003*.
Identifiers: ClinVar variation 5012468 (VCV005012468.1).

ClinVar aggregate classification (germline): Pathogenic (1 of 4 stars; one submission).

Conditions:
USH2A-related disorder. Also called: USH2A-related condition; USH2A-related disorders. Identifiers: MedGen CN239332.

Submission:

Myriad Genetics, Inc.
Classification: Pathogenic for USH2A-related disorder. Last evaluated: 2023-11-08. Review status: criteria provided, single submitter. Criteria: Myriad Autosomal Dominant, Autosomal Recessive and X-Linked Classification Criteria (2023). Collection method: clinical testing. Allele origin: unknown.
Comment: NM_206933.2(USH2A):c.12007C>T(Q4003*) is expected to be pathogenic in the context of USH2A-related disorders. This variant is predicted to lead to an abnormal or absent protein product due to the creation of a premature termination codon in USH2A, a gene where loss-of-function variants are known to be pathogenic. Please note: this variant was assessed in the context of healthy population screening.